The following is an entry in ClinVar:

ClinVar aggregate classification (germline): Uncertain significance. Review status: criteria provided, multiple submitters, no conflicts (2 of 4 stars). 2 submissions from 2 submitters: Uncertain significance (2). Last evaluated 2025-09-09.

Conditions:
Adams-Oliver syndrome 5 (AOS5). Identifiers: Orphanet 974, MedGen C4014970, MONDO:0014459, OMIM 616028.
Familial thoracic aortic aneurysm and aortic dissection (TAAD). Also called: Thoracic aortic aneurysms and dissections. Identifiers: Orphanet 91387, MedGen C4707243, MONDO:0019625.

Allele frequency attached by ClinVar (database versions not stated): ExAC 0.00001; gnomAD 0.00001; gnomAD exomes 0.00001.
gnomAD v4.1: 8 of 1,613,042 alleles (0.0005%); highest among the groups gnomAD compares: African/African-American, 0.0013%; no homozygotes.

Submissions (2):

Ambry Genetics
Classification: Uncertain significance for Familial thoracic aortic aneurysm and aortic dissection. Last evaluated: 2025-09-09. Review status: criteria provided, single submitter. Criteria: Ambry Variant Classification Scheme 2023. Collection method: clinical testing. Allele origin: germline.
Comment: The p.V964M variant (also known as c.2890G>A), located in coding exon 18 of the NOTCH1 gene, results from a G to A substitution at nucleotide position 2890. The valine at codon 964 is replaced by methionine, an amino acid with highly similar properties. This amino acid position is highly conserved in available vertebrate species. In addition, the in silico prediction for this alteration is inconclusive. Based on the available evidence, the clinical significance of this variant remains unclear.

Labcorp Genetics (formerly Invitae), Labcorp
Classification: Uncertain significance for Adams-Oliver syndrome 5. Last evaluated: 2025-01-27. Review status: criteria provided, single submitter. Criteria: Invitae Variant Classification Sherloc (09022015). Collection method: clinical testing. Allele origin: germline.
Comment: This sequence change replaces valine, which is neutral and non-polar, with methionine, which is neutral and non-polar, at codon 964 of the NOTCH1 protein (p.Val964Met). This variant is not present in population databases (gnomAD no frequency). This variant has not been reported in the literature in individuals affected with NOTCH1-related conditions. ClinVar contains an entry for this variant (Variation ID: 1797306). Invitae Evidence Modeling of protein sequence and biophysical properties (such as structural, functional, and spatial information, amino acid conservation, physicochemical variation, residue mobility, and thermodynamic stability) indicates that this missense variant is not expected to disrupt NOTCH1 protein function with a negative predictive value of 95%. In summary, the available evidence is currently insufficient to determine the role of this variant in disease. Therefore, it has been classified as a Variant of Uncertain Significance.

NM_017617.5(NOTCH1):c.2890G>A (p.Val964Met)

Gene: NOTCH1 (notch receptor 1; minus strand). Cytogenetic location: 9q34.3.
Variant type: single nucleotide variant.
Coding change: c.2890G>A on transcript NM_017617.5 (MANE Select); coding-DNA position 2890, G replaced by A.
Protein change: p.Val964Met; replaces valine 964 with methionine.
Molecular consequence: missense variant.
Genome position (GRCh38, 1-based): chr9:136,509,812, C>T on the plus strand (G>A on the coding strand, the complement: NOTCH1 is on the minus strand). VCF-style: chr9-136509812-C-T. GRCh37 (hg19) VCF-style: chr9-139404264-C-T.
Other names: short protein forms V964M.
Identifiers: ClinVar variation 1797306 (VCV001797306.8), dbSNP rs780251851, ClinGen allele CA5341120.
Genomic context (GRCh38, chr9:136,509,812, plus strand): 5'-TGTTGTTCTCACAGTGGATCCCGCTGAAGCCTGCGGGGCAGGTGCACGTGTAGCTGTCCA[C>T]GCAGTCCGTGCAGTTGGCCCCGTTGCGGCAGGGGTCACTGGCACACTCGTTGATGTCCTC-3'
Protein context (NP_060087.3, residues 954-974): CRNGANCTDC[Val964Met]DSYTCTCPAG